The following is an entry in ClinVar:

NM_004380.3(CREBBP):c.6709C>T (p.Pro2237Ser)

Gene: CREBBP (CREB binding lysine acetyltransferase; minus strand). Cytogenetic location: 16p13.3.
Variant type: single nucleotide variant.
Coding change: c.6709C>T on transcript NM_004380.3 (MANE Select); coding-DNA position 6709, C replaced by T.
Protein change: p.Pro2237Ser; replaces proline 2237 with serine.
Molecular consequence: missense variant.
Genome position (GRCh38, 1-based): chr16:3,728,338, G>A on the plus strand (C>T on the coding strand, the complement: CREBBP is on the minus strand). VCF-style: chr16-3728338-G-A. GRCh37 (hg19) VCF-style: chr16-3778339-G-A.
Other names: c.6595C>T, p.Pro2199Ser (NM_001079846.1); short protein forms P2237S, P2199S.
Identifiers: ClinVar variation 4982929 (VCV004982929.1).
Genomic context (GRCh38, chr16:3,728,338, plus strand): 5'-GGAGGGGGAGATGCTGCTGCATGCGCTGCTGCTGCTGCATGGCCGGTGGGTAGCCTCCGG[G>A]TCCTTGAGGCTGCTGGAACTGGCCGTGCCCCGCCATGCCCCCAGCCATGCCGGCACTCCC-3'
Protein context (NP_004371.2, residues 2227-2247): GHGQFQQPQG[Pro2237Ser]GGYPPAMQQQ

ClinVar aggregate classification (germline): Uncertain significance (1 of 4 stars; one submission).

Conditions:
CREBBP-related disorder. Also called: CREBBP-related condition; CREBBP-related disorders.

gnomAD v4.1: 5 of 1,612,480 alleles (0.00031%); highest among the groups gnomAD compares: Non-Finnish European, 0.00025%; no homozygotes.

Submission:

PreventionGenetics, part of Exact Sciences
Classification: Uncertain significance for CREBBP-related condition. Last evaluated: 2025-12-09. Review status: criteria provided, single submitter. Criteria: ACMG Guidelines, 2015. Collection method: clinical testing. Allele origin: germline.
Comment: The CREBBP c.6709C>T variant is predicted to result in the amino acid substitution p.Pro2237Ser. To our knowledge, this variant has not been reported in the literature or in a large population database (gnomAD), indicating this variant is rare. At this time, the clinical significance of this variant is uncertain due to the absence of conclusive functional and genetic evidence.